The following is an entry in ClinVar:

NM_001851.6(COL9A1):c.1720-2A>G

Gene: COL9A1 (collagen type IX alpha 1 chain; minus strand). Cytogenetic location: 6q13.
Variant type: single nucleotide variant.
Coding change: c.1720-2A>G on transcript NM_001851.6 (MANE Select); the canonical splice acceptor site of the intron before coding-DNA position 1720, A replaced by G.
Molecular consequence: splice acceptor variant.
Genome position (GRCh38, 1-based): chr6:70,253,431, T>C on the plus strand (A>G on the coding strand, the complement: COL9A1 is on the minus strand). VCF-style: chr6-70253431-T-C. GRCh37 (hg19) VCF-style: chr6-70963134-T-C.
Other names: c.991-2A>G (NM_001377290.1, NM_078485.4); c.1021-2A>G (NM_001377289.1).
Identifiers: ClinVar variation 2816573 (VCV002816573.3), dbSNP rs2483307125, ClinGen allele CA364677377.
Genomic context (GRCh38, chr6:70,253,431, plus strand): 5'-TTAAAATATTTTACCTTTTCACCAGCAACACCCTTTGCACCAGGAATTCCAGGTACACCC[T>C]AAAAGAATACATACACAATCCTAGTTTAATCACCTCCTCTGAGAATCCATGAGATGCCAA-3'

ClinVar aggregate classification (germline): Likely pathogenic (1 of 4 stars; one submission).

Submission:

Labcorp Genetics (formerly Invitae), Labcorp
Classification: Likely pathogenic. Last evaluated: 2022-12-13. Review status: criteria provided, single submitter. Criteria: Invitae Variant Classification Sherloc (09022015). Collection method: clinical testing. Allele origin: germline.
Comment: In summary, the currently available evidence indicates that the variant is pathogenic, but additional data are needed to prove that conclusively. Therefore, this variant has been classified as Likely Pathogenic. Algorithms developed to predict the effect of sequence changes on RNA splicing suggest that this variant may disrupt the consensus splice site. This variant has not been reported in the literature in individuals affected with COL9A1-related conditions. This variant is not present in population databases (gnomAD no frequency). This sequence change affects an acceptor splice site in intron 25 of the COL9A1 gene. It is expected to disrupt RNA splicing. Variants that disrupt the donor or acceptor splice site typically lead to a loss of protein function (PMID: 16199547), and loss-of-function variants in COL9A1 are known to be pathogenic (PMID: 16909383, 21421862).

Literature cited by the submitters: PubMed 16199547; PubMed 16909383; PubMed 21421862.